The following is an entry in ClinVar:

ClinVar aggregate classification (germline): Pathogenic (1 of 4 stars; one submission).

Submission:

GeneDx
Classification: Pathogenic. Last evaluated: 2023-10-19. Review status: criteria provided, single submitter. Criteria: GeneDx Variant Classification Process June 2021. Collection method: clinical testing. Allele origin: germline. Affected: yes.
Comment: In-frame deletion of 1 amino acid in a non-repeat region; Not observed at significant frequency in large population cohorts (gnomAD); In silico analysis supports a deleterious effect on protein structure/function; Has not been previously published as pathogenic or benign to our knowledge

NM_001379029.1(CERT1):c.957AGA[1] (p.Glu321del)

Gene: CERT1 (ceramide transporter 1; minus strand). Cytogenetic location: 5q13.3.
Variant type: Microsatellite.
Coding change: c.957AGA[1] on transcript NM_001379029.1 (MANE Select); one copy of the 3-base unit AGA starting at c.957; the reference has two copies in a row; one copy, 3 bases deleted.
Protein change: p.Glu321del; deletes glutamic acid 321.
Molecular consequence: inframe deletion.
Genome position (GRCh38, 1-based): chr5:75,403,027-75,403,029, TCT deleted on the plus strand (AGA on the coding strand, the reverse complement: CERT1 is on the minus strand); deleting any 3 consecutive bases within chr5:75,403,027-75,403,034 gives the same sequence; the position shown is the placement nearest the transcript's 3' end. VCF-style (leftmost placement, unchanged base first): chr5-75403026-CTCT-C. GRCh37 (hg19) VCF-style: chr5-74698851-CTCT-C.
Other names: c.1341AGA[1], p.Glu449del (NM_001130105.1); c.957AGA[1], p.Glu321del (NM_001379002.1, NM_001379003.1, NM_001379004.1 and 2 more transcripts); c.1344_1346delAGA (NM_001130105.1); c.1344_1346del (NM_001130105.1); short protein forms E321del, E449del.
Identifiers: ClinVar variation 1202758 (VCV001202758.4), dbSNP rs2112093130, ClinGen allele CA2580613570.